The following is an entry in ClinVar:

NM_006231.4(POLE):c.6730C>G (p.Leu2244Val)

Gene: POLE (DNA polymerase epsilon, catalytic subunit; minus strand). Cytogenetic location: 12q24.33.
Variant type: single nucleotide variant.
Coding change: c.6730C>G on transcript NM_006231.4 (MANE Select); coding-DNA position 6730, C replaced by G.
Protein change: p.Leu2244Val; replaces leucine 2244 with valine.
Molecular consequence: missense variant.
Genome position (GRCh38, 1-based): chr12:132,624,922, G>C on the plus strand (C>G on the coding strand, the complement: POLE is on the minus strand). VCF-style: chr12-132624922-G-C. GRCh37 (hg19) VCF-style: chr12-133201508-G-C.
Other names: c.6730C>G (NM_006231.2); short protein forms L2244V.
Identifiers: ClinVar variation 3621080 (VCV003621080.3).
Genomic context (GRCh38, chr12:132,624,922, plus strand): 5'-CAAGGAGGCCAGGCTGAGCCGAGGCAGATGAGGGAGAGCCCACCTGGGTGTGGATGGTGA[G>C]GGCGAAGTCTCCCGCGCAGCTGCAGTACACAGGCATGCTGGTCTCCTTCACCCCGCGGCA-3'
Protein context (NP_006222.2, residues 2234-2254): VYCSCAGDFA[Leu2244Val]TIHTQVFMEQ

ClinVar aggregate classification (germline): Uncertain significance. Review status: criteria provided, multiple submitters, no conflicts (2 of 4 stars). 2 submissions from 2 submitters: Uncertain significance (2). Last evaluated 2025-05-04.

Conditions:
Hereditary cancer-predisposing syndrome. Also called: Tumor predisposition; Hereditary neoplastic syndrome; Neoplastic Syndromes, Hereditary; Hereditary Cancer Syndrome. Identifiers: Orphanet 140162, MedGen C0027672, MeSH D009386, MONDO:0015356.

gnomAD v4.1: 1 of 1,614,008 alleles (0.000062%); highest among the groups gnomAD compares: South Asian, 0.0011%; no homozygotes.

Submissions (2):

Ambry Genetics
Classification: Uncertain significance for Hereditary cancer-predisposing syndrome. Last evaluated: 2025-05-04. Review status: criteria provided, single submitter. Criteria: Ambry Variant Classification Scheme 2023. Collection method: clinical testing. Allele origin: germline.
Comment: The p.L2244V variant (also known as c.6730C>G), located in coding exon 48 of the POLE gene, results from a C to G substitution at nucleotide position 6730. The leucine at codon 2244 is replaced by valine, an amino acid with highly similar properties. This amino acid position is conserved. In addition, this alteration is predicted to be tolerated by in silico analysis. Based on the available evidence, the clinical significance of this variant remains unclear.

Labcorp Genetics (formerly Invitae), Labcorp
Classification: Uncertain significance. Last evaluated: 2024-04-07. Review status: criteria provided, single submitter. Criteria: Invitae Variant Classification Sherloc (09022015). Collection method: clinical testing. Allele origin: germline.
Comment: This sequence change replaces leucine, which is neutral and non-polar, with valine, which is neutral and non-polar, at codon 2244 of the POLE protein (p.Leu2244Val). This variant is not present in population databases (gnomAD no frequency). This variant has not been reported in the literature in individuals affected with POLE-related conditions. Advanced modeling of protein sequence and biophysical properties (such as structural, functional, and spatial information, amino acid conservation, physicochemical variation, residue mobility, and thermodynamic stability) performed at Invitae indicates that this missense variant is not expected to disrupt POLE protein function with a negative predictive value of 80%. In summary, the available evidence is currently insufficient to determine the role of this variant in disease. Therefore, it has been classified as a Variant of Uncertain Significance.